The following is an entry in ClinVar:

ClinVar aggregate classification (germline): Uncertain significance. Review status: criteria provided, multiple submitters, no conflicts (2 of 4 stars). 6 submissions from 6 submitters: Uncertain significance (6). Last evaluated 2026-01-26.

Conditions:
Hereditary nonpolyposis colorectal neoplasms. Identifiers: MedGen C0009405, MeSH D003123.
Hereditary cancer-predisposing syndrome. Also called: Hereditary neoplastic syndrome; Tumor predisposition; Hereditary Cancer Syndrome; Neoplastic Syndromes, Hereditary. Identifiers: Orphanet 140162, MedGen C0027672, MeSH D009386, MONDO:0015356.
Hereditary breast ovarian cancer syndrome. Also called: BRCA1- and BRCA2-Associated Hereditary Breast and Ovarian Cancer; Hereditary breast and ovarian cancer syndrome (HBOC); Hereditary breast and/or ovarian cancer syndrome; Hereditary breast and ovarian cancer syndrome; Hereditary breast and ovarian cancer; Breast and ovarian cancer. Identifiers: Orphanet 145, MedGen C0677776, MeSH D061325, MONDO:0003582. Disease mechanism: loss of function.
Lynch syndrome. Identifiers: Orphanet 144, MedGen C4552100, MONDO:0005835. Disease mechanism: loss of function.
Lynch syndrome 5 (LYNCH5). Also called: Colorectal cancer, hereditary nonpolyposis, type 5; Hereditary non-polyposis colorectal cancer, type 5. Identifiers: Orphanet 144, MedGen C1833477, MONDO:0013710, OMIM 614350. Disease mechanism: loss of function.

Allele frequency attached by ClinVar (database versions not stated): TOPMed below 0.00001; gnomAD 0.00001; gnomAD exomes 0.00001.
gnomAD v4.1: 9 of 1,453,156 alleles (0.00062%); highest among the groups gnomAD compares: East Asian, 0.022%; no homozygotes.

Submissions (6):

Labcorp Genetics (formerly Invitae), Labcorp
Classification: Uncertain significance for Hereditary nonpolyposis colorectal neoplasms. Last evaluated: 2026-01-26. Review status: criteria provided, single submitter. Criteria: Invitae Variant Classification Sherloc (09022015). Collection method: clinical testing. Allele origin: germline.
Comment: This sequence change replaces arginine, which is basic and polar, with lysine, which is basic and polar, at codon 78 of the MSH6 protein (p.Arg78Lys). This variant is not present in population databases (gnomAD no frequency). This variant has not been reported in the literature in individuals affected with MSH6-related conditions. ClinVar contains an entry for this variant (Variation ID: 220220). Invitae Evidence Modeling of protein sequence and biophysical properties (such as structural, functional, and spatial information, amino acid conservation, physicochemical variation, residue mobility, and thermodynamic stability) indicates that this missense variant is not expected to disrupt MSH6 protein function with a negative predictive value of 95%. In summary, the available evidence is currently insufficient to determine the role of this variant in disease. Therefore, it has been classified as a Variant of Uncertain Significance.

Women's Health and Genetics/Laboratory Corporation of America, LabCorp
Classification: Uncertain significance. Last evaluated: 2025-01-27. Review status: criteria provided, single submitter. Criteria: LabCorp Variant Classification Summary - May 2015. Collection method: clinical testing. Allele origin: germline.
Comment: Variant summary: MSH6 c.233G>A (p.Arg78Lys) results in a conservative amino acid change located in the PWWP domain (IPR000313) of the encoded protein sequence. Five of five in-silico tools predict a benign effect of the variant on protein function. The variant was absent in 60512 control chromosomes. The available data on variant occurrences in the general population are insufficient to allow any conclusion about variant significance. c.233G>A has been reported in the literature in individual(s) affected with Developmental Delay or Autism (Kaplani_2020, Zhou_2022). A large case-control study evaluating Biliary tract cancer reported the variant absent in the case cohort but was present in the controls (Okawa_2023). These report(s) do not provide unequivocal conclusions about association of the variant with Hereditary Nonpolyposis Colorectal Cancer. To our knowledge, no experimental evidence demonstrating an impact on protein function has been reported. The following publications have been ascertained in the context of this evaluation (PMID: 33057194, 36243179, 35982159). ClinVar contains an entry for this variant (Variation ID: 220220). Based on the evidence outlined above, the variant was classified as uncertain significance.

Ambry Genetics
Classification: Uncertain significance for Hereditary cancer-predisposing syndrome. Last evaluated: 2025-01-03. Review status: criteria provided, single submitter. Criteria: Ambry Variant Classification Scheme 2023. Collection method: clinical testing. Allele origin: germline.
Comment: The p.R78K variant (also known as c.233G>A), located in coding exon 1 of the MSH6 gene, results from a G to A substitution at nucleotide position 233. The arginine at codon 78 is replaced by lysine, an amino acid with highly similar properties. This amino acid position is not well conserved in available vertebrate species. In addition, this alteration is predicted to be tolerated by in silico analysis. Based on the available evidence, the clinical significance of this variant remains unclear.

All of Us Research Program, National Institutes of Health
Classification: Uncertain significance for Lynch syndrome. Last evaluated: 2023-11-02. Review status: criteria provided, single submitter. Criteria: ACMG Guidelines, 2015. Collection method: clinical testing. Allele origin: germline. Inheritance: Autosomal dominant inheritance. Observed: 1 variant allele, 1 heterozygote.
Comment: This missense variant replaces arginine with lysine at codon 78 of the MSH6 protein. Computational prediction suggests that this variant may not impact protein structure and function (internally defined REVEL score threshold <= 0.5, PMID: 27666373). To our knowledge, functional studies have not been reported for this variant. This variant has not been reported in individuals affected with MSH6-related disorders in the literature. This variant has not been identified in the general population by the Genome Aggregation Database (gnomAD). The available evidence is insufficient to determine the role of this variant in disease conclusively. Therefore, this variant is classified as a Variant of Uncertain Significance.

This study involves interpretation of variants in research participants for the purpose of population health screening. Participant phenotype was not available at the time of variant classification. Additional details can be found in publication PMID: 35346344, PMCID: PMC8962531

Cancer Genomics Group, Japanese Foundation For Cancer Research
Classification: Uncertain significance for Hereditary breast and ovarian cancer syndrome. Last evaluated: 2019-05-01. Review status: criteria provided, single submitter. Criteria: ACMG Guidelines, 2015. Collection method: research. Allele origin: germline. Affected: yes.

Illumina Laboratory Services, Illumina
Classification: Uncertain significance for Lynch syndrome 5. Last evaluated: 2018-01-12. Review status: criteria provided, single submitter. Criteria: ICSL Variant Classification Criteria 13 December 2019. Collection method: clinical testing. Allele origin: germline.

Literature cited by the submitters: PubMed 36243179 (cited by Women's Health and Genetics/Laboratory Corporation of America, LabCorp); PubMed 35982159 (cited by Women's Health and Genetics/Laboratory Corporation of America, LabCorp); PubMed 33057194 (cited by Women's Health and Genetics/Laboratory Corporation of America, LabCorp).

NM_000179.3(MSH6):c.233G>A (p.Arg78Lys)

Gene: MSH6 (mutS homolog 6; plus strand). Cytogenetic location: 2p16.3.
Variant type: single nucleotide variant.
Coding change: c.233G>A on transcript NM_000179.3 (MANE Select); coding-DNA position 233, G replaced by A.
Protein change: p.Arg78Lys; replaces arginine 78 with lysine.
Molecular consequence: missense variant. On other transcripts: 5 prime UTR variant (1).
Genome position (GRCh38, 1-based): chr2:47,783,466, G>A. VCF-style: chr2-47783466-G-A. GRCh37 (hg19) VCF-style: chr2-48010605-G-A.
Other names: c.233G>A, p.Arg78Lys (NM_001281492.2); c.-504G>A (NM_001281493.2); short protein forms R78K.
Identifiers: ClinVar variation 220220 (VCV000220220.23), dbSNP rs864622425, ClinGen allele CA348221.